The following is an entry in ClinVar:

NM_001127649.3(PEX26):c.352C>T (p.Pro118Ser)

Gene: PEX26 (peroxisomal biogenesis factor 26; plus strand). Cytogenetic location: 22q11.21.
Variant type: single nucleotide variant.
Coding change: c.352C>T on transcript NM_001127649.3 (MANE Select); coding-DNA position 352, C replaced by T.
Protein change: p.Pro118Ser; replaces proline 118 with serine.
Molecular consequence: missense variant.
Genome position (GRCh38, 1-based): chr22:18,079,995, C>T. VCF-style: chr22-18079995-C-T. GRCh37 (hg19) VCF-style: chr22-18562761-C-T.
Other names: c.352C>T, p.Pro118Ser (NM_001199319.2, NM_017929.6); short protein forms P118S.
Identifiers: ClinVar variation 967552 (VCV000967552.9), dbSNP rs1196346206, ClinGen allele CA410265924.
Genomic context (GRCh38, chr22:18,079,995, plus strand): 5'-CGGTGGCAAGAAGTCCTCTCCTGGGTCCTTCAGTATTACCAGGTCCCTGAAAAGCTACCC[C>T]CCAAAGTCCTGGAGCTGTGGTAAGTCTTCTTTGCTGACTCATCAGATCGGTTCAGAAACG-3'
Protein context (NP_001121121.1, residues 108-128): QYYQVPEKLP[Pro118Ser]KVLELCILLY

ClinVar aggregate classification (germline): Uncertain significance (1 of 4 stars; one submission).

Conditions:
Peroxisome biogenesis disorder 7A (Zellweger). Also called: Peroxisome biogenesis disorder 7A. Identifiers: Orphanet 912, MedGen C3888385, MONDO:0013938, OMIM 614872.
Peroxisome biogenesis disorder 7B (PBD7B). Identifiers: Orphanet 44, MedGen C3553951, MONDO:0013939, OMIM 614873.

gnomAD v4.1: 3 of 1,614,054 alleles (0.00019%); highest among the groups gnomAD compares: South Asian, 0.0011%; no homozygotes.

Submission:

Labcorp Genetics (formerly Invitae), Labcorp
Classification: Uncertain significance for Peroxisome biogenesis disorder 7A (Zellweger); Peroxisome biogenesis disorder 7B. Last evaluated: 2025-10-22. Review status: criteria provided, single submitter. Criteria: Invitae Variant Classification Sherloc (09022015). Collection method: clinical testing. Allele origin: germline.
Comment: This sequence change replaces proline, which is neutral and non-polar, with serine, which is neutral and polar, at codon 118 of the PEX26 protein (p.Pro118Ser). This variant is not present in population databases (gnomAD no frequency). This variant has not been reported in the literature in individuals affected with PEX26-related conditions. ClinVar contains an entry for this variant (Variation ID: 967552). Invitae Evidence Modeling of protein sequence and biophysical properties (such as structural, functional, and spatial information, amino acid conservation, physicochemical variation, residue mobility, and thermodynamic stability) has been performed for this missense variant. However, the output from this modeling did not meet the statistical confidence thresholds required to predict the impact of this variant on PEX26 protein function. In summary, the available evidence is currently insufficient to determine the role of this variant in disease. Therefore, it has been classified as a Variant of Uncertain Significance.